The following is an entry in ClinVar:

ClinVar aggregate classification (germline): Uncertain significance (1 of 4 stars; one submission).

Conditions:
Hereditary cancer-predisposing syndrome. Also called: Neoplastic Syndromes, Hereditary; Tumor predisposition; Hereditary Cancer Syndrome; Hereditary neoplastic syndrome. Identifiers: Orphanet 140162, MedGen C0027672, MeSH D009386, MONDO:0015356.

gnomAD v4.1: 2 of 1,613,994 alleles (0.00012%); highest among the groups gnomAD compares: South Asian, 0.0011%; no homozygotes.

Submission:

Ambry Genetics
Classification: Uncertain significance for Hereditary cancer-predisposing syndrome. Last evaluated: 2025-10-22. Review status: criteria provided, single submitter. Criteria: Ambry Variant Classification Scheme 2023. Collection method: clinical testing. Allele origin: germline.
Comment: The p.M463V variant (also known as c.1387A>G), located in coding exon 2 of the MET gene, results from an A to G substitution at nucleotide position 1387. The methionine at codon 463 is replaced by valine, an amino acid with highly similar properties. This amino acid position is conserved. In addition, the in silico prediction for this alteration is inconclusive. Based on the available evidence, the clinical significance of this variant remains unclear.

NM_000245.4(MET):c.1387A>G (p.Met463Val)

Gene: MET (MET proto-oncogene, receptor tyrosine kinase; plus strand). Cytogenetic location: 7q31.2.
Variant type: single nucleotide variant.
Coding change: c.1387A>G on transcript NM_000245.4 (MANE Select); coding-DNA position 1387, A replaced by G.
Protein change: p.Met463Val; replaces methionine 463 with valine.
Molecular consequence: missense variant.
Genome position (GRCh38, 1-based): chr7:116,731,854, A>G. VCF-style: chr7-116731854-A-G. GRCh37 (hg19) VCF-style: chr7-116371908-A-G.
Other names: c.1387A>G, p.Met463Val (NM_001127500.3, NM_001324401.3); c.97A>G, p.Met33Val (NM_001324402.2); short protein forms M33V, M463V.
Identifiers: ClinVar variation 4647834 (VCV004647834.1).